The following is an entry in ClinVar:

ClinVar aggregate classification (germline): Uncertain significance (1 of 4 stars; one submission).

Conditions:
Weaver syndrome (WVS). Also called: Weaver Smith syndrome; Overgrowth syndrome with accelerated skeletal maturation, unusual facies, and camptodactyly. Identifiers: Orphanet 3447, MedGen C0265210, MONDO:0010193, OMIM 277590.

Submission:

New York Genome Center
Classification: Uncertain significance for Weaver syndrome. Last evaluated: 2020-07-17. Review status: criteria provided, single submitter. Criteria: NYGC Assertion Criteria 2020. Collection method: clinical testing. Allele origin: germline. Observed: 1 heterozygote. Study: CSER-NYCKidSeq.
Comment: The c.1579C>A (p.Pro527Thr) variant in exon 14 of 20 of EZH2 has not been reported in affected individuals in the available literature. This variant is absent in gnomAD suggesting it is not a common benign variant in the populations represented in this database. In silico predictors suggest this variant is Damaging (Provean; score: -7.31; SIFT; score: 0). Given the current evidences regarding its pathogenicity, the c.1579C>A (p.Pro527Thr) variant identified in the EZH2 gene is a Variant of Uncertain Significance.

NM_004456.5(EZH2):c.1579C>A (p.Pro527Thr)

Gene: EZH2 (enhancer of zeste 2 polycomb repressive complex 2 subunit; minus strand). Cytogenetic location: 7q36.1.
Variant type: single nucleotide variant.
Coding change: c.1579C>A on transcript NM_004456.5 (MANE Select); coding-DNA position 1579, C replaced by A.
Protein change: p.Pro527Thr; replaces proline 527 with threonine.
Molecular consequence: missense variant. On other transcripts: intron variant (1).
Genome position (GRCh38, 1-based): chr7:148,815,007, G>T on the plus strand (C>A on the coding strand, the complement: EZH2 is on the minus strand). VCF-style: chr7-148815007-G-T. GRCh37 (hg19) VCF-style: chr7-148512099-G-T.
Other names: c.1564C>A, p.Pro522Thr (NM_001203247.2); c.1537C>A, p.Pro513Thr (NM_001203248.2); c.1447C>A, p.Pro483Thr (NM_152998.3); c.1504+499C>A (NM_001203249.2); short protein forms P483T, P513T, P522T, P527T.
Identifiers: ClinVar variation 1098609 (VCV001098609.1), dbSNP rs2129470135, ClinGen allele CA369713897.